The following is an entry in ClinVar:

NM_000439.5(PCSK1):c.1299G>C (p.Leu433Phe)

Genes: CAST (calpastatin; plus strand), PCSK1 (proprotein convertase subtilisin/kexin type 1; minus strand), LOC101929710 (uncharacterized LOC101929710; plus strand). Cytogenetic location: 5q15.
Variant type: single nucleotide variant.
Coding change: c.1299G>C on transcript NM_000439.5 (MANE Select); coding-DNA position 1299, G replaced by C.
Protein change: p.Leu433Phe; replaces leucine 433 with phenylalanine.
Molecular consequence: missense variant. On other transcripts: intron variant (11).
Genome position (GRCh38, 1-based): chr5:96,400,084, C>G on the plus strand (G>C on the coding strand, the complement: PCSK1 is on the minus strand). VCF-style: chr5-96400084-C-G. GRCh37 (hg19) VCF-style: chr5-95735788-C-G.
Other names: c.1158G>C, p.Leu386Phe (NM_001177875.2); c.-175+20432C>G (NM_001423254.1, NM_001423259.1, NM_001423255.1 and 6 more transcripts); c.-103+20432C>G (NM_001423253.1); c.-40+20432C>G (NM_001423258.1); short protein forms L386F, L433F.
Identifiers: ClinVar variation 3356497 (VCV003356497.1).

ClinVar aggregate classification (germline): Uncertain significance (0 of 4 stars; one submission).

Conditions:
PCSK1-related disorder. Also called: PCSK1-related condition.

Submission:

PreventionGenetics, part of Exact Sciences
Classification: Uncertain significance for PCSK1-related condition. Last evaluated: 2024-03-06. Review status: no assertion criteria provided. Collection method: clinical testing. Allele origin: germline.
Comment: The PCSK1 c.1299G>C variant is predicted to result in the amino acid substitution p.Leu433Phe. To our knowledge, this variant has not been reported in the literature or in a large population database, indicating this variant is rare. At this time, the clinical significance of this variant is uncertain due to the absence of conclusive functional and genetic evidence.